The following is an entry in ClinVar:

NM_144508.5(KNL1):c.6141A>G (p.Glu2047=)

Gene: KNL1 (kinetochore scaffold 1; plus strand). Cytogenetic location: 15q15.1.
Variant type: single nucleotide variant.
Coding change: c.6141A>G on transcript NM_144508.5 (MANE Select); coding-DNA position 6141, A replaced by G.
Protein change: p.Glu2047=; no amino-acid change (glutamic acid 2047 retained).
Molecular consequence: synonymous variant.
Genome position (GRCh38, 1-based): chr15:40,650,347, A>G. VCF-style: chr15-40650347-A-G. GRCh37 (hg19) VCF-style: chr15-40942545-A-G.
Other names: c.6219A>G, p.Glu2073= (NM_170589.5).
Identifiers: ClinVar variation 3354310 (VCV003354310.1).

ClinVar aggregate classification (germline): Likely benign (0 of 4 stars; one submission).

Conditions:
KNL1-related disorder. Also called: KNL1-related condition.

gnomAD v4.1: 9 of 1,613,002 alleles (0.00056%); highest among the groups gnomAD compares: African/African-American, 0.012%; no homozygotes.

Submission:

PreventionGenetics, part of Exact Sciences
Classification: Likely benign for KNL1-related condition. Last evaluated: 2024-08-20. Review status: no assertion criteria provided. Collection method: clinical testing. Allele origin: germline.
Comment: This variant is classified as likely benign based on ACMG/AMP sequence variant interpretation guidelines (Richards et al. 2015 PMID: 25741868, with internal and published modifications).